The following is an entry in ClinVar:

Conditions:
Breast-ovarian cancer, familial, susceptibility to, 1 (BROVCA1). Also called: BRCA1 Hereditary Breast and Ovarian Cancer; OVARIAN CANCER, SUSCEPTIBILITY TO. Identifiers: Orphanet 145, MedGen C2676676, MONDO:0011450, OMIM 604370. Disease mechanism: loss of function.

Submission:

Brotman Baty Institute, University of Washington
No classification provided (evidence only). Condition: Breast-ovarian cancer, familial 1. Review status: no classification provided. Collection method: in vitro. Allele origin: not applicable. Functional consequence: functionally_normal.
ClinVar note: "not provided" was previously submitted as the classification for the variant. However, the classification appeared to be based only on an observation of functional data so it was converted to no classification on 2025-07-30.

NM_007294.4(BRCA1):c.272G>T (p.Cys91Phe)

Gene: BRCA1 (BRCA1 DNA repair associated; minus strand). Cytogenetic location: 17q21.31.
Variant type: single nucleotide variant.
Coding change: c.272G>T on transcript NM_007294.4 (MANE Select); coding-DNA position 272, G replaced by T.
Protein change: p.Cys91Phe; replaces cysteine 91 with phenylalanine.
Molecular consequence: missense variant. On other transcripts: non-coding transcript variant (1).
Genome position (GRCh38, 1-based): chr17:43,104,897, C>A on the plus strand (G>T on the coding strand, the complement: BRCA1 is on the minus strand). VCF-style: chr17-43104897-C-A. GRCh37 (hg19) VCF-style: chr17-41256914-C-A.
Other names: c.62G>T, p.Cys21Phe (NM_001407571.1, NM_001407853.1, NM_001407879.1 and 58 more transcripts); c.272G>T, p.Cys91Phe (NM_001407581.1, NM_001407582.1, NM_001407583.1 and 168 more transcripts); c.194G>T, p.Cys65Phe (NM_001407653.1, NM_001407654.1, NM_001407655.1 and 21 more transcripts); c.131G>T, p.Cys44Phe (NM_001407692.1, NM_001407694.1, NM_001407695.1 and 99 more transcripts); c.-110G>T (NM_001407959.1, NM_001407960.1, NM_001407962.1 and 4 more transcripts); c.140G>T, p.Cys47Phe (NM_001408451.1); short protein forms C91F, C44F, C65F, C21F, C47F.
Identifiers: ClinVar variation 868338 (VCV000868338.3), dbSNP rs1333635543, ClinGen allele CA10601610.